The following is an entry in ClinVar:

ClinVar aggregate classification (germline): Uncertain significance. Review status: criteria provided, multiple submitters, no conflicts (2 of 4 stars). 2 submissions from 2 submitters: Uncertain significance (2). Last evaluated 2025-09-08.

Conditions:
Inborn genetic diseases. Identifiers: MedGen C0950123, MeSH D030342.

Allele frequency attached by ClinVar (database versions not stated): gnomAD exomes 0.00001 and 0.00004; ExAC 0.00002; gnomAD 0.00002; TOPMed 0.00002; ESP Exome Variant Server 0.00008.

Submissions (2):

Labcorp Genetics (formerly Invitae), Labcorp
Classification: Uncertain significance. Last evaluated: 2025-09-08. Review status: criteria provided, single submitter. Criteria: Invitae Variant Classification Sherloc (09022015). Collection method: clinical testing. Allele origin: germline.
Comment: This sequence change replaces asparagine, which is neutral and polar, with serine, which is neutral and polar, at codon 55 of the CNNM4 protein (p.Asn55Ser). This variant is present in population databases (rs375291045, gnomAD 0.004%). This variant has not been reported in the literature in individuals affected with CNNM4-related conditions. ClinVar contains an entry for this variant (Variation ID: 1413831). Invitae Evidence Modeling of protein sequence and biophysical properties (such as structural, functional, and spatial information, amino acid conservation, physicochemical variation, residue mobility, and thermodynamic stability) indicates that this missense variant is not expected to disrupt CNNM4 protein function with a negative predictive value of 80%. In summary, the available evidence is currently insufficient to determine the role of this variant in disease. Therefore, it has been classified as a Variant of Uncertain Significance.

Ambry Genetics
Classification: Uncertain significance for Inborn genetic diseases. Last evaluated: 2023-12-21. Review status: criteria provided, single submitter. Criteria: Ambry Variant Classification Scheme 2023. Collection method: clinical testing. Allele origin: germline.

NM_020184.4(CNNM4):c.164A>G (p.Asn55Ser)

Gene: CNNM4 (cyclin and CBS domain divalent metal cation transport mediator 4; plus strand). Cytogenetic location: 2q11.2.
Variant type: single nucleotide variant.
Coding change: c.164A>G on transcript NM_020184.4 (MANE Select); coding-DNA position 164, A replaced by G.
Protein change: p.Asn55Ser; replaces asparagine 55 with serine.
Molecular consequence: missense variant.
Genome position (GRCh38, 1-based): chr2:96,761,163, A>G. VCF-style: chr2-96761163-A-G. GRCh37 (hg19) VCF-style: chr2-97426900-A-G.
Other names: c.164A>G (NM_020184.3); short protein forms N55S.
Identifiers: ClinVar variation 1413831 (VCV001413831.8), dbSNP rs375291045, ClinGen allele CA1783165.
Genomic context (GRCh38, chr2:96,761,163, plus strand): 5'-CCCGGGGCCAGGGCAGCCCCCAGCAGGGCACGATCGTGGGCATGAGGCTGGCGAGCTGCA[A>G]CAAGTCGTGTGGGACGAACCCGGATGGCATCATCTTCGTGTCCGAGGGCAGCACCGTGAA-3'
Protein context (NP_064569.3, residues 45-65): TIVGMRLASC[Asn55Ser]KSCGTNPDGI